The following is an entry in ClinVar:

ClinVar aggregate classification (germline): Uncertain significance (1 of 4 stars; one submission).

Conditions:
Autosomal dominant nocturnal frontal lobe epilepsy 5. Also called: KCNT1-Related Epilepsy; CILIARY DYSKINESIA, PRIMARY, 28, WITHOUT SITUS INVERSUS; CILIARY DYSKINESIA, PRIMARY, 28, WITH SITUS INVERSUS; Epilepsy, nocturnal frontal lobe, 5. Identifiers: Orphanet 98784, MedGen C3554306, MONDO:0014002, OMIM 615005.
Developmental and epileptic encephalopathy, 14 (DEE14). Also called: Early infantile epileptic encephalopathy 14. Identifiers: Orphanet 293181, MedGen C3554195, MONDO:0013989, OMIM 614959.

gnomAD v4.1: 3 of 1,613,638 alleles (0.00019%); highest among the groups gnomAD compares: Non-Finnish European, 0.00025%; no homozygotes.

Submission:

Labcorp Genetics (formerly Invitae), Labcorp
Classification: Uncertain significance for Autosomal dominant nocturnal frontal lobe epilepsy 5; Developmental and epileptic encephalopathy, 14. Last evaluated: 2020-08-06. Review status: criteria provided, single submitter. Criteria: Invitae Variant Classification Sherloc (09022015). Collection method: clinical testing. Allele origin: germline.
Comment: Advanced modeling of protein sequence and biophysical properties (such as structural, functional, and spatial information, amino acid conservation, physicochemical variation, residue mobility, and thermodynamic stability) performed at Invitae indicates that this missense variant is expected to disrupt KCNT1 protein function. This variant has not been reported in the literature in individuals with KCNT1-related conditions. This variant is not present in population databases (ExAC no frequency). This sequence change replaces threonine with asparagine at codon 621 of the KCNT1 protein (p.Thr621Asn). The threonine residue is highly conserved and there is a small physicochemical difference between threonine and asparagine. In summary, the available evidence is currently insufficient to determine the role of this variant in disease. Therefore, it has been classified as a Variant of Uncertain Significance.

NM_020822.3(KCNT1):c.1862C>A (p.Thr621Asn)

Gene: KCNT1 (potassium sodium-activated channel subfamily T member 1; plus strand). Cytogenetic location: 9q34.3.
Variant type: single nucleotide variant.
Coding change: c.1862C>A on transcript NM_020822.3 (MANE Select); coding-DNA position 1862, C replaced by A.
Protein change: p.Thr621Asn; replaces threonine 621 with asparagine.
Molecular consequence: missense variant.
Genome position (GRCh38, 1-based): chr9:135,770,949, C>A. VCF-style: chr9-135770949-C-A. GRCh37 (hg19) VCF-style: chr9-138662795-C-A.
Other names: c.1727C>A, p.Thr576Asn (NM_001272003.2); short protein forms T621N, T576N.
Identifiers: ClinVar variation 1043206 (VCV001043206.9), dbSNP rs151006970, ClinGen allele CA375508342.